The following is an entry in ClinVar:

ClinVar aggregate classification (germline): Likely benign (1 of 4 stars; one submission).

Conditions:
SEMA3F-related disorder. Also called: SEMA3F-related condition.

gnomAD v4.1: 16 of 1,614,112 alleles (0.00099%); highest among the groups gnomAD compares: Non-Finnish European, 0.0014%; no homozygotes.

Submission:

PreventionGenetics, part of Exact Sciences
Classification: Likely benign for SEMA3F-related condition. Last evaluated: 2025-05-27. Review status: criteria provided, single submitter. Criteria: ACMG Guidelines, 2015. Collection method: clinical testing. Allele origin: germline.
Comment: This variant is classified as likely benign based on ACMG/AMP sequence variant interpretation guidelines (Richards et al. 2015 PMID: 25741868, with internal and published modifications).

NM_004186.5(SEMA3F):c.1359G>A (p.Leu453=)

Gene: SEMA3F (semaphorin 3F; plus strand). Cytogenetic location: 3p21.31.
Variant type: single nucleotide variant.
Coding change: c.1359G>A on transcript NM_004186.5 (MANE Select); coding-DNA position 1359, G replaced by A.
Protein change: p.Leu453=; no amino-acid change (leucine 453 retained).
Molecular consequence: synonymous variant.
Genome position (GRCh38, 1-based): chr3:50,184,717, G>A. VCF-style: chr3-50184717-G-A. GRCh37 (hg19) VCF-style: chr3-50222150-G-A.
Other names: c.1062G>A, p.Leu354= (NM_001318798.2); c.1266G>A, p.Leu422= (NM_001318800.2).
Identifiers: ClinVar variation 4987707 (VCV004987707.1).
Genomic context (GRCh38, chr3:50,184,717, plus strand): 5'-CTTCATGCGCAGCCACCCACTCATGTACCAGGCCGTGTACCCTCTGCAGCGGCGGCCCCT[G>A]GTAGTCCGCACAGGTGCTCCCTACCGCCTTACCACTATTGCCGTGGACCAGGTGGATGCA-3'
Protein context (NP_004177.3, residues 443-463): QAVYPLQRRP[Leu453=]VVRTGAPYRL